The following is an entry in ClinVar:

NM_000260.4(MYO7A):c.849G>A (p.Met283Ile)

Gene: MYO7A (myosin VIIA; plus strand). Cytogenetic location: 11q13.5.
Variant type: single nucleotide variant.
Coding change: c.849G>A on transcript NM_000260.4 (MANE Select); coding-DNA position 849, G replaced by A.
Protein change: p.Met283Ile; replaces methionine 283 with isoleucine.
Molecular consequence: missense variant.
Genome position (GRCh38, 1-based): chr11:77,157,392, G>A. VCF-style: chr11-77157392-G-A. GRCh37 (hg19) VCF-style: chr11-76868438-G-A.
Other names: c.849G>A, p.Met283Ile (NM_001127180.2); c.816G>A, p.Met272Ile (NM_001369365.1); short protein forms M272I, M283I.
Identifiers: ClinVar variation 1052282 (VCV001052282.10), dbSNP rs1280774223, ClinGen allele CA381932708.

ClinVar aggregate classification (germline): Likely pathogenic. Review status: criteria provided, multiple submitters, no conflicts (2 of 4 stars). 2 submissions from 2 submitters: Likely pathogenic (2). Last evaluated 2023-12-04.

Conditions:
MYO7A-related disorder. Also called: MYO7A-related disorders.

Allele frequency attached by ClinVar (database versions not stated): gnomAD exomes below 0.00001; gnomAD 0.00001; TOPMed 0.00001.
gnomAD v4.1: 3 of 1,601,450 alleles (0.00019%); highest among the groups gnomAD compares: Non-Finnish European, 0.00017%; no homozygotes.

Submissions (2):

Labcorp Genetics (formerly Invitae), Labcorp
Classification: Likely pathogenic. Last evaluated: 2023-12-04. Review status: criteria provided, single submitter. Criteria: Invitae Variant Classification Sherloc (09022015). Collection method: clinical testing. Allele origin: germline.
Comment: This sequence change replaces methionine, which is neutral and non-polar, with isoleucine, which is neutral and non-polar, at codon 283 of the MYO7A protein (p.Met283Ile). This variant also falls at the last nucleotide of exon 8, which is part of the consensus splice site for this exon. This variant is not present in population databases (gnomAD no frequency). This missense change has been observed in individual(s) with autosomal recessive inherited retinal dystrophy and/or autosomal recessive Usher syndrome (PMID: 29142287; Invitae). ClinVar contains an entry for this variant (Variation ID: 1052282). An algorithm developed to predict the effect of missense changes on protein structure and function (PolyPhen-2) suggests that this variant is likely to be tolerated. Variants that disrupt the consensus splice site are a relatively common cause of aberrant splicing (PMID: 17576681, 9536098). Algorithms developed to predict the effect of sequence changes on RNA splicing suggest that this variant may disrupt the consensus splice site. In summary, the currently available evidence indicates that the variant is pathogenic, but additional data are needed to prove that conclusively. Therefore, this variant has been classified as Likely Pathogenic.

Blueprint Genetics
Classification: Likely pathogenic for MYO7A-related disorders. Last evaluated: 2021-06-10. Review status: criteria provided, single submitter. Criteria: ACMG Guidelines, 2015. Collection method: clinical testing. Allele origin: germline. Affected: yes. Observed: 3 variant alleles.

Literature cited by the submitters: PubMed 29142287 (cited by Labcorp Genetics (formerly Invitae), Labcorp); PubMed 17576681 (cited by Labcorp Genetics (formerly Invitae), Labcorp); PubMed 9536098 (cited by Labcorp Genetics (formerly Invitae), Labcorp).